The following is an entry in ClinVar:

ClinVar aggregate classification (germline): Likely benign. Review status: criteria provided, multiple submitters, no conflicts (2 of 4 stars). 2 submissions from 2 submitters: Likely benign (2). Last evaluated 2026-09-01.

gnomAD v4.1: 105 of 1,612,836 alleles (0.0065%); highest among the groups gnomAD compares: East Asian, 0.0089%; no homozygotes.

Submissions (2):

CeGaT Center for Human Genetics Tuebingen
Classification: Likely benign. Last evaluated: 2026-09-01. Review status: criteria provided, single submitter. Criteria: CeGaT Center For Human Genetics Tuebingen Variant Classification Criteria Version 2. Collection method: clinical testing. Allele origin: germline. Affected: yes. Observed: 1 variant allele.
Comment: COL6A2: BP4, BP7

Blueprint Genetics
Classification: Likely benign. Last evaluated: 2024-01-05. Review status: criteria provided, single submitter. Criteria: ACMG Guidelines, 2015. Collection method: clinical testing. Allele origin: germline.

NM_058174.3(COL6A2):c.2523C>T (p.Asp841=)

Gene: COL6A2 (collagen type VI alpha 2 chain; plus strand). Cytogenetic location: 21q22.3.
Variant type: single nucleotide variant.
Coding change: c.2523C>T on transcript NM_058174.3 (MANE Plus Clinical); coding-DNA position 2523, C replaced by T.
Protein change: p.Asp841=; no amino-acid change (aspartic acid 841 retained).
Molecular consequence: synonymous variant. On other transcripts: 3 prime UTR variant (1), intron variant (1).
Genome position (GRCh38, 1-based): chr21:46,129,257, C>T. VCF-style: chr21-46129257-C-T. GRCh37 (hg19) VCF-style: chr21-47549171-C-T.
Other names: c.*329C>T (NM_058175.3); c.2462-2697C>T (NM_001849.4).
Identifiers: ClinVar variation 4946718 (VCV004946718.2).
Genomic context (GRCh38, chr21:46,129,257, plus strand): 5'-TGCACCGTGGCCTGGCGGCGAGCCCCCGGTCACCTTCCTCCGCACGGAAGAGGGGCCGGA[C>T]GCCACCTTCCCCAGGACCATTCCCCTGATCCAACAGTTGCTAAACGCCACGGAGCTCACG-3'
Protein context (NP_478054.2, residues 831-851): VTFLRTEEGP[Asp841=]ATFPRTIPLI